The following is an entry in ClinVar:

ClinVar aggregate classification (germline): Uncertain significance (1 of 4 stars; one submission).

Conditions:
Cardiovascular phenotype. Identifiers: MedGen CN230736.

Submission:

Ambry Genetics
Classification: Uncertain significance for Cardiovascular phenotype. Last evaluated: 2026-02-13. Review status: criteria provided, single submitter. Criteria: Ambry Variant Classification Scheme 2023. Collection method: clinical testing. Allele origin: germline.
Comment: The p.R21G variant (also known as c.61C>G), located in coding exon 2 of the AKAP9 gene, results from a C to G substitution at nucleotide position 61. The arginine at codon 21 is replaced by glycine, an amino acid with dissimilar properties. This amino acid position is conserved. In addition, the in silico prediction for this alteration is inconclusive. Based on the available evidence, the clinical significance of this variant remains unclear.

NM_005751.5(AKAP9):c.61C>G (p.Arg21Gly)

Gene: AKAP9 (A-kinase anchoring protein 9; plus strand). Cytogenetic location: 7q21.2.
Variant type: single nucleotide variant.
Coding change: c.61C>G on transcript NM_005751.5 (MANE Select); coding-DNA position 61, C replaced by G.
Protein change: p.Arg21Gly; replaces arginine 21 with glycine.
Molecular consequence: missense variant.
Genome position (GRCh38, 1-based): chr7:91,973,723, C>G. VCF-style: chr7-91973723-C-G. GRCh37 (hg19) VCF-style: chr7-91603037-C-G.
Other names: c.61C>G, p.Arg21Gly (NM_147185.3); short protein forms R21G.
Identifiers: ClinVar variation 3282373 (VCV003282373.2).
Genomic context (GRCh38, chr7:91,973,723, plus strand): 5'-TAAAGAAAAATTATCTTTGACAATAACGGTTATTTTCTTTTTTCTTAGCTTGCCCAGTTT[C>G]GACAAAGAAAAGCTCAGTCGGATGGGCAGAGTCCTTCCAAGAAGCAGAAAAAAAAGAGAA-3'
Protein context (NP_005742.4, residues 11-31): EAGKAKLAQF[Arg21Gly]QRKAQSDGQS